The following is an entry in ClinVar:

NM_001040108.2(MLH3):c.3716A>T (p.Asp1239Val)

Gene: MLH3 (mutL homolog 3; minus strand). Cytogenetic location: 14q24.3.
Variant type: single nucleotide variant.
Coding change: c.3716A>T on transcript NM_001040108.2 (MANE Select); coding-DNA position 3716, A replaced by T.
Protein change: p.Asp1239Val; replaces aspartic acid 1239 with valine.
Molecular consequence: missense variant.
Genome position (GRCh38, 1-based): chr14:75,032,179, T>A on the plus strand (A>T on the coding strand, the complement: MLH3 is on the minus strand). VCF-style: chr14-75032179-T-A. GRCh37 (hg19) VCF-style: chr14-75498882-T-A.
Other names: c.3644A>T, p.Asp1215Val (NM_014381.3); short protein forms D1239V, D1215V.
Identifiers: ClinVar variation 5024545 (VCV005024545.1).
Genomic context (GRCh38, chr14:75,032,179, plus strand): 5'-AGAGTAGAAGACAGTAATTTTTTCCGACCAGAGCCTTGTGCCTGTTGCTTCTCGTAGGAA[T>A]CTATTGGCAGAAAGATGAATGGGTTAAGAGTAGGAAGGGAAGTCTTCTAGATTCAGATAA-3'
Protein context (NP_001035197.1, residues 1229-1249): ERIRLEQLII[Asp1239Val]SYEKQQAQGS

ClinVar aggregate classification (germline): Uncertain significance (1 of 4 stars; one submission).

gnomAD v4.1: 4 of 1,592,164 alleles (0.00025%); highest among the groups gnomAD compares: Non-Finnish European, 0.00034%; no homozygotes.

Submission:

Ambry Genetics
Classification: Uncertain significance. Last evaluated: 2026-07-13. Review status: criteria provided, single submitter. Criteria: Ambry Variant Classification Scheme 2023. Collection method: clinical testing. Allele origin: germline.
Comment: The p.D1239V variant (also known as c.3716A>T) is located in coding exon 7 of the MLH3 gene. The aspartic acid at codon 1239 is replaced by valine, an amino acid with highly dissimilar properties. This change occurs in the first base pair of coding exon 7. This amino acid position is well conserved in available vertebrate species. In addition, the in silico prediction for this alteration is inconclusive. Based on the available evidence, the clinical significance of this variant remains unclear.